The following is an entry in ClinVar:

NM_007118.4(TRIO):c.5668-9C>A

Gene: TRIO (trio Rho guanine nucleotide exchange factor; plus strand). Cytogenetic location: 5p15.2.
Variant type: single nucleotide variant.
Coding change: c.5668-9C>A on transcript NM_007118.4 (MANE Select); 9 bases into the intron before coding-DNA position 5668, C replaced by A.
Molecular consequence: intron variant.
Genome position (GRCh38, 1-based): chr5:14,465,536, C>A. VCF-style: chr5-14465536-C-A. GRCh37 (hg19) VCF-style: chr5-14465645-C-A.
Identifiers: ClinVar variation 3052862 (VCV003052862.2), dbSNP rs776612941, ClinGen allele CA3206812.

ClinVar aggregate classification (germline): Benign (0 of 4 stars; one submission).

Conditions:
TRIO-related disorder. Also called: TRIO-related disorders; TRIO-related condition.

Allele frequency attached by ClinVar (database versions not stated): TOPMed 0.00001; gnomAD exomes 0.00022; ExAC 0.00039; gnomAD 0.00052.
gnomAD v4.1: 400 of 1,612,398 alleles (0.025%); highest among the groups gnomAD compares: South Asian, 0.0077%; 2 homozygotes.

Submission:

PreventionGenetics, part of Exact Sciences
Classification: Benign for TRIO-related condition. Last evaluated: 2019-08-19. Review status: no assertion criteria provided. Collection method: clinical testing. Allele origin: germline.
Comment: This variant is classified as benign based on ACMG/AMP sequence variant interpretation guidelines (Richards et al. 2015 PMID: 25741868, with internal and published modifications).